The following is an entry in ClinVar:

ClinVar aggregate classification (germline): Pathogenic/Likely pathogenic. Review status: criteria provided, multiple submitters, no conflicts (2 of 4 stars). 2 submissions from 2 submitters: Pathogenic (1); Likely pathogenic (1). Last evaluated 2025-08-26.

Conditions:
Ethylmalonic encephalopathy (EE). Also called: Syndrome of encephalopathy, petechiae, and ethylmalonic aciduria; EPEMA syndrome; Encephalopathy, petechiae, and ethylmalonic aciduria. Identifiers: Orphanet 51188, MedGen C1865349, MONDO:0011229, OMIM 602473. Disease mechanism: loss of function.

Allele frequency attached by ClinVar (database versions not stated): gnomAD 0.00001.

Submissions (2):

Natera, Inc.
Classification: Likely pathogenic for Ethylmalonic encephalopathy. Last evaluated: 2025-08-26. Review status: criteria provided, single submitter. Criteria: Natera Variant Classification Schema (03/2026). Collection method: clinical testing. Allele origin: germline.
Comment: The c.79C>T variant in ETHE1 is a nonsense variant predicted to introduce a stop codon at amino acid 27. This variant is expected to result in nonsense mediated decay, truncation, or a dysfunctional protein product. This variant is rare in the general population with a frequency below the threshold expected for the associated phenotype(s). Given the available evidence, this variant is classified as Likely Pathogenic.

Labcorp Genetics (formerly Invitae), Labcorp
Classification: Pathogenic for Ethylmalonic encephalopathy. Last evaluated: 2023-12-01. Review status: criteria provided, single submitter. Criteria: Invitae Variant Classification Sherloc (09022015). Collection method: clinical testing. Allele origin: germline.
Comment: This sequence change creates a premature translational stop signal (p.Gln27*) in the ETHE1 gene. It is expected to result in an absent or disrupted protein product. Loss-of-function variants in ETHE1 are known to be pathogenic (PMID: 14732903, 19136963). The frequency data for this variant in the population databases is considered unreliable, as metrics indicate poor data quality at this position in the gnomAD database. This variant has not been reported in the literature in individuals affected with ETHE1-related conditions. ClinVar contains an entry for this variant (Variation ID: 934182). Algorithms developed to predict the effect of sequence changes on RNA splicing suggest that this variant may disrupt the consensus splice site. For these reasons, this variant has been classified as Pathogenic.

Literature cited by the submitters: PubMed 14732903 (cited by Labcorp Genetics (formerly Invitae), Labcorp); PubMed 19136963 (cited by Labcorp Genetics (formerly Invitae), Labcorp).

NM_014297.5(ETHE1):c.79C>T (p.Gln27Ter)

Gene: ETHE1 (ETHE1 persulfide dioxygenase; minus strand). Cytogenetic location: 19q13.31.
Variant type: single nucleotide variant.
Coding change: c.79C>T on transcript NM_014297.5 (MANE Select); coding-DNA position 79, C replaced by T.
Protein change: p.Gln27Ter; replaces glutamine 27 with a stop codon.
Molecular consequence: nonsense. On other transcripts: 5 prime UTR variant (1).
Genome position (GRCh38, 1-based): chr19:43,527,099, G>A on the plus strand (C>T on the coding strand, the complement: ETHE1 is on the minus strand). VCF-style: chr19-43527099-G-A. GRCh37 (hg19) VCF-style: chr19-44031251-G-A.
Other names: c.79C>T (NM_014297.4); c.79C>T, p.Gln27Ter (NM_001320867.2, NM_001320869.2); c.-142C>T (NM_001320868.2); short protein forms Q27*.
Identifiers: ClinVar variation 934182 (VCV000934182.11), dbSNP rs749803238, ClinGen allele CA9487971.